The following is an entry in ClinVar:

NM_003322.6(TULP1):c.923G>A (p.Arg308Gln)

Gene: TULP1 (TUB like protein 1; minus strand). Cytogenetic location: 6p21.31.
Variant type: single nucleotide variant.
Coding change: c.923G>A on transcript NM_003322.6 (MANE Select); coding-DNA position 923, G replaced by A.
Protein change: p.Arg308Gln; replaces arginine 308 with glutamine.
Molecular consequence: missense variant.
Genome position (GRCh38, 1-based): chr6:35,506,079, C>T on the plus strand (G>A on the coding strand, the complement: TULP1 is on the minus strand). VCF-style: chr6-35506079-C-T. GRCh37 (hg19) VCF-style: chr6-35473856-C-T.
Other names: c.923G>A (NM_003322.3); c.764G>A, p.Arg255Gln (NM_001289395.2); short protein forms R255Q, R308Q.
Identifiers: ClinVar variation 2083434 (VCV002083434.2), dbSNP rs201303631, ClinGen allele CA3772740.

ClinVar aggregate classification (germline): Uncertain significance. Review status: criteria provided, multiple submitters, no conflicts (2 of 4 stars). 2 submissions from 2 submitters: Uncertain significance (2). Last evaluated 2025-08-02.

Conditions:
Inborn genetic diseases. Identifiers: MedGen C0950123, MeSH D030342.

Allele frequency attached by ClinVar (database versions not stated): gnomAD 0.00002; ExAC 0.00003; 1000 Genomes Project 30x 0.00016; 1000 Genomes Project 0.00020.
gnomAD v4.1: 51 of 1,613,680 alleles (0.0032%); highest among the groups gnomAD compares: South Asian, 0.0055%; no homozygotes.

Submissions (2):

Ambry Genetics
Classification: Uncertain significance for Inborn genetic diseases. Last evaluated: 2025-08-02. Review status: criteria provided, single submitter. Criteria: Ambry Variant Classification Scheme 2023. Collection method: clinical testing. Allele origin: germline.

Labcorp Genetics (formerly Invitae), Labcorp
Classification: Uncertain significance. Last evaluated: 2022-07-04. Review status: criteria provided, single submitter. Criteria: Invitae Variant Classification Sherloc (09022015). Collection method: clinical testing. Allele origin: germline.
Comment: This sequence change replaces arginine, which is basic and polar, with glutamine, which is neutral and polar, at codon 308 of the TULP1 protein (p.Arg308Gln). This variant is present in population databases (rs201303631, gnomAD 0.004%). This variant has not been reported in the literature in individuals affected with TULP1-related conditions. Algorithms developed to predict the effect of missense changes on protein structure and function are either unavailable or do not agree on the potential impact of this missense change (SIFT: "Not Available"; PolyPhen-2: "Possibly Damaging"; Align-GVGD: "Not Available"). In summary, the available evidence is currently insufficient to determine the role of this variant in disease. Therefore, it has been classified as a Variant of Uncertain Significance.